The following is an entry in ClinVar:

ClinVar aggregate classification (germline): Uncertain significance (1 of 4 stars; one submission).

Conditions:
Autoimmune interstitial lung disease-arthritis syndrome. Also called: Autoinflammation and autoimmunity, systemic, with immune dysregulation. Identifiers: Orphanet 444092, MedGen C5975714, MONDO:0014629.

Allele frequency attached by ClinVar (database versions not stated): gnomAD 0.00001; gnomAD exomes 0.00001; TOPMed 0.00001.
gnomAD v4.1: 5 of 1,613,944 alleles (0.00031%); highest among the groups gnomAD compares: Admixed American, 0.0083%; no homozygotes.

Submission:

Labcorp Genetics (formerly Invitae), Labcorp
Classification: Uncertain significance for Autoimmune interstitial lung disease-arthritis syndrome. Last evaluated: 2024-09-28. Review status: criteria provided, single submitter. Criteria: Invitae Variant Classification Sherloc (09022015). Collection method: clinical testing. Allele origin: germline.
Comment: This sequence change replaces valine, which is neutral and non-polar, with isoleucine, which is neutral and non-polar, at codon 570 of the COPA protein (p.Val570Ile). This variant is present in population databases (no rsID available, gnomAD 0.009%). This variant has not been reported in the literature in individuals affected with COPA-related conditions. ClinVar contains an entry for this variant (Variation ID: 1444494). Invitae Evidence Modeling of protein sequence and biophysical properties (such as structural, functional, and spatial information, amino acid conservation, physicochemical variation, residue mobility, and thermodynamic stability) indicates that this missense variant is not expected to disrupt COPA protein function with a negative predictive value of 80%. In summary, the available evidence is currently insufficient to determine the role of this variant in disease. Therefore, it has been classified as a Variant of Uncertain Significance.

NM_004371.4(COPA):c.1708G>A (p.Val570Ile)

Gene: COPA (coat protein complex I subunit alpha; minus strand). Cytogenetic location: 1q23.2.
Variant type: single nucleotide variant.
Coding change: c.1708G>A on transcript NM_004371.4 (MANE Select); coding-DNA position 1708, G replaced by A.
Protein change: p.Val570Ile; replaces valine 570 with isoleucine.
Molecular consequence: missense variant.
Genome position (GRCh38, 1-based): chr1:160,299,224, C>T on the plus strand (G>A on the coding strand, the complement: COPA is on the minus strand). VCF-style: chr1-160299224-C-T. GRCh37 (hg19) VCF-style: chr1-160269014-C-T.
Other names: c.1735G>A, p.Val579Ile (NM_001098398.2); short protein forms V570I, V579I.
Identifiers: ClinVar variation 1444494 (VCV001444494.6), dbSNP rs1162410358, ClinGen allele CA343281168.